The following is an entry in ClinVar:

ClinVar aggregate classification (germline): Uncertain significance (1 of 4 stars; one submission).

Conditions:
Achondrogenesis, type IB (ACG1B). Also called: Achondrogenesis Type 1B. Identifiers: Orphanet 932, Orphanet 93298, MedGen C0265274, MONDO:0010966, OMIM 600972.
Multiple epiphyseal dysplasia type 4 (EDM4). Also called: SLC26A2-Related Multiple Epiphyseal Dysplasia; Multiple Epiphyseal Dysplasia, Recessive; MULTIPLE EPIPHYSEAL DYSPLASIA WITH BILAYERED PATELLAE; MULTIPLE EPIPHYSEAL DYSPLASIA WITH CLUBFOOT; MULTIPLE EPIPHYSEAL DYSPLASIA, AUTOSOMAL RECESSIVE. Identifiers: Orphanet 93307, MedGen C1847593, MONDO:0009189, OMIM 226900.
Atelosteogenesis type II (AO2). Also called: Neonatal osseous dysplasia 1; SLC26A2-Related Atelosteogenesis; NEONATAL OSSEOUS DYSPLASIA I. Identifiers: Orphanet 56304, MedGen C1850554, MONDO:0009727, OMIM 256050.
Diastrophic dysplasia (DTD). Also called: Diastrophic dwarfism. Identifiers: Orphanet 628, MedGen C0220726, MONDO:0009107, OMIM 222600.

Allele frequency attached by ClinVar (database versions not stated): gnomAD 0.00001.
gnomAD v4.1: 1 of 1,614,044 alleles (0.000062%); highest among the groups gnomAD compares: Non-Finnish European, 0.000085%; no homozygotes.

Submission:

Labcorp Genetics (formerly Invitae), Labcorp
Classification: Uncertain significance for Atelosteogenesis type II; Multiple epiphyseal dysplasia type 4; Achondrogenesis, type IB; Diastrophic dysplasia. Last evaluated: 2022-01-15. Review status: criteria provided, single submitter. Criteria: Invitae Variant Classification Sherloc (09022015). Collection method: clinical testing. Allele origin: germline.
Comment: In summary, the available evidence is currently insufficient to determine the role of this variant in disease. Therefore, it has been classified as a Variant of Uncertain Significance. Advanced modeling of protein sequence and biophysical properties (such as structural, functional, and spatial information, amino acid conservation, physicochemical variation, residue mobility, and thermodynamic stability) performed at Invitae indicates that this missense variant is not expected to disrupt SLC26A2 protein function. This variant has not been reported in the literature in individuals affected with SLC26A2-related conditions. This variant is not present in population databases (gnomAD no frequency). This sequence change replaces lysine, which is basic and polar, with arginine, which is basic and polar, at codon 575 of the SLC26A2 protein (p.Lys575Arg).

NM_000112.4(SLC26A2):c.1724A>G (p.Lys575Arg)

Gene: SLC26A2 (solute carrier family 26 member 2; plus strand). Cytogenetic location: 5q32.
Variant type: single nucleotide variant.
Coding change: c.1724A>G on transcript NM_000112.4 (MANE Select); coding-DNA position 1724, A replaced by G.
Protein change: p.Lys575Arg; replaces lysine 575 with arginine.
Molecular consequence: missense variant.
Genome position (GRCh38, 1-based): chr5:149,981,317, A>G. VCF-style: chr5-149981317-A-G. GRCh37 (hg19) VCF-style: chr5-149360880-A-G.
Other names: short protein forms K575R.
Identifiers: ClinVar variation 2139662 (VCV002139662.4), dbSNP rs1561823072, ClinGen allele CA361708611.